The following is an entry in ClinVar:

NM_013275.6(ANKRD11):c.3005G>A (p.Arg1002Gln)

Gene: ANKRD11 (ankyrin repeat domain 11; minus strand). Cytogenetic location: 16q24.3.
Variant type: single nucleotide variant.
Coding change: c.3005G>A on transcript NM_013275.6 (MANE Select); coding-DNA position 3005, G replaced by A.
Protein change: p.Arg1002Gln; replaces arginine 1002 with glutamine.
Molecular consequence: missense variant.
Genome position (GRCh38, 1-based): chr16:89,283,537, C>T on the plus strand (G>A on the coding strand, the complement: ANKRD11 is on the minus strand). VCF-style: chr16-89283537-C-T. GRCh37 (hg19) VCF-style: chr16-89349945-C-T.
Other names: c.3005G>A, p.Arg1002Gln (NM_001256182.2, NM_001256183.2); short protein forms R1002Q.
Identifiers: ClinVar variation 587869 (VCV000587869.11), dbSNP rs757870881, ClinGen allele CA8242450.

ClinVar aggregate classification (germline): Conflicting classifications of pathogenicity. Review status: criteria provided, conflicting classifications (1 of 4 stars). 2 submissions from 2 submitters: Uncertain significance (1); Likely benign (1). Last evaluated 2024-05-17.

Conditions:
Inborn genetic diseases. Identifiers: MedGen C0950123, MeSH D030342.
KBG syndrome (KBGS). Also called: ANKRD11-Related KBG Syndrome. Identifiers: Orphanet 2332, MedGen C0220687, MONDO:0007846, OMIM 148050.

Allele frequency attached by ClinVar (database versions not stated): ExAC 0.00003; TOPMed 0.00004; gnomAD exomes 0.00005 and 0.00007; gnomAD 0.00009.
gnomAD v4.1: 93 of 1,612,912 alleles (0.0058%); highest among the groups gnomAD compares: South Asian, 0.0033%; no homozygotes.

Submissions (2):

Labcorp Genetics (formerly Invitae), Labcorp
Classification: Likely benign for KBG syndrome. Last evaluated: 2024-05-17. Review status: criteria provided, single submitter. Criteria: Invitae Variant Classification Sherloc (09022015). Collection method: clinical testing. Allele origin: germline.

Ambry Genetics
Classification: Uncertain significance for Inborn genetic diseases. Last evaluated: 2016-05-06. Review status: criteria provided, single submitter. Criteria: Ambry Variant Classification Scheme 2023. Collection method: clinical testing. Allele origin: germline.
Comment: The p.R1002Q variant (also known as c.3005G>A), located in coding exon 7 of the ANKRD11 gene, results from a G to A substitution at nucleotide position 3005. The arginine at codon 1002 is replaced by glutamine, an amino acid with highly similar properties. This variant was not reported in population based cohorts in the following databases: Database of Single Nucleotide Polymorphisms (dbSNP), NHLBI Exome Sequencing Project (ESP), and 1000 Genomes Project. In the ESP, this variant was not observed in 6498 samples (12996 alleles) with coverage at this position. This amino acid position is well conserved in available vertebrate species. In addition, this alteration is predicted to be tolerated by in silico analysis. Since supporting evidence is limited at this time, the clinical significance of this alteration remains unclear.